The following is an entry in ClinVar:

NM_000204.5(CFI):c.1335G>T (p.Glu445Asp)

Gene: CFI (complement factor I; minus strand). Cytogenetic location: 4q25.
Variant type: single nucleotide variant.
Coding change: c.1335G>T on transcript NM_000204.5 (MANE Select); coding-DNA position 1335, G replaced by T.
Protein change: p.Glu445Asp; replaces glutamic acid 445 with aspartic acid.
Molecular consequence: missense variant. On other transcripts: non-coding transcript variant (2).
Genome position (GRCh38, 1-based): chr4:109,746,316, C>A on the plus strand (G>T on the coding strand, the complement: CFI is on the minus strand). VCF-style: chr4-109746316-C-A. GRCh37 (hg19) VCF-style: chr4-110667472-C-A.
Other names: c.1359G>T, p.Glu453Asp (NM_001318057.2, NM_001375278.1); c.1314G>T, p.Glu438Asp (NM_001331035.2, NM_001375280.1, NM_001375282.1); c.1335G>T, p.Glu445Asp (NM_001375279.1, NM_001375281.1); c.1278G>T, p.Glu426Asp (NM_001375283.1); c.726G>T, p.Glu242Asp (NM_001375284.1); short protein forms E242D, E438D, E453D, E426D, E445D.
Identifiers: ClinVar variation 2321917 (VCV002321917.3), dbSNP rs150663120, ClinGen allele CA3041935.

ClinVar aggregate classification (germline): Uncertain significance. Review status: criteria provided, multiple submitters, no conflicts (2 of 4 stars). 2 submissions from 2 submitters: Uncertain significance (2). Last evaluated 2025-05-18.

Conditions:
Inborn genetic diseases. Identifiers: MedGen C0950123, MeSH D030342.

Allele frequency attached by ClinVar (database versions not stated): ExAC 0.00001; ESP Exome Variant Server 0.00015.

Submissions (2):

Labcorp Genetics (formerly Invitae), Labcorp
Classification: Uncertain significance. Last evaluated: 2025-05-18. Review status: criteria provided, single submitter. Criteria: Invitae Variant Classification Sherloc (09022015). Collection method: clinical testing. Allele origin: germline.
Comment: This sequence change replaces glutamic acid, which is acidic and polar, with aspartic acid, which is acidic and polar, at codon 445 of the CFI protein (p.Glu445Asp). This variant is present in population databases (rs150663120, gnomAD 0.007%). This variant has not been reported in the literature in individuals affected with CFI-related conditions. ClinVar contains an entry for this variant (Variation ID: 2321917). Invitae Evidence Modeling of protein sequence and biophysical properties (such as structural, functional, and spatial information, amino acid conservation, physicochemical variation, residue mobility, and thermodynamic stability) indicates that this missense variant is not expected to disrupt CFI protein function with a negative predictive value of 95%. In summary, the available evidence is currently insufficient to determine the role of this variant in disease. Therefore, it has been classified as a Variant of Uncertain Significance.

Ambry Genetics
Classification: Uncertain significance for Inborn genetic diseases. Last evaluated: 2022-11-01. Review status: criteria provided, single submitter. Criteria: Ambry Variant Classification Scheme 2023. Collection method: clinical testing. Allele origin: germline.